The following is an entry in ClinVar:

ClinVar aggregate classification (germline): Pathogenic (1 of 4 stars; one submission).

Submission:

Quest Diagnostics Nichols Institute San Juan Capistrano
Classification: Pathogenic. Last evaluated: 2025-03-31. Review status: criteria provided, single submitter. Criteria: ACMG/ClinGen CNV Guidelines, 2019. Collection method: clinical testing. Allele origin: unknown.
Comment: This duplication overlaps the triplosensitive Prader-Willi/Angelman critical region associated with (BP2-3) chromosome 15q11q13 microduplication syndrome (OMIM 608636; ISCA-37478; Lusk 2021, Isles 2016, Kalsner 2015, Song 2022). Thus, this CNV is classified as pathogenic. References: Isles et al., PLoS Genet. 2016 May 6;12(5):e1005993. PMID: 27153221 Kalsner et al., Pediatr Clin North Am. 2015 Jun;62(3):587-606. PMID: 26022164 Lusk et al. Maternal 15q Duplication Syndrome. GeneReviews [updated 2021 Jul 15]. PMID: 27308687 Song et al., Taiwan J Obstet Gynecol. 2022 Jul;61(4):717-721. PMID: 35779929

GRCh37/hg19 15q11.2-13.1(chr15:23632678-28545355)x3

Genes: PWRN1 (Prader-Willi region non-protein coding RNA 1; plus strand), PWRN2 (Prader-Willi region non-protein coding RNA 2; minus strand), SNORD115-1 (small nucleolar RNA, C/D box 115-1; plus strand), SNORD116-1 (small nucleolar RNA, C/D box 116-1; plus strand), HERC2 (HECT and RLD domain containing E3 ubiquitin protein ligase 2; minus strand) and 19 more. Cytogenetic location: 15q11.2-13.1.
Variant type: copy number gain.
Change: copy number 3 (three copies instead of two) of chr15:23,632,678-28,545,355 (4.91 Mb, GRCh37 coordinates, 1-based), cytogenetic band 15q11.2-13.1.
Identifiers: ClinVar variation 1809289 (VCV001809289.2).